The following is an entry in ClinVar:

ClinVar aggregate classification (germline): Conflicting classifications of pathogenicity. Review status: criteria provided, conflicting classifications (1 of 4 stars). 19 submissions from 17 submitters: Uncertain significance (1); Benign (14); Likely benign (3). 1 of the submissions does not count toward it. Last evaluated 2026-09-01.

Conditions:
Walker-Warburg congenital muscular dystrophy. Also called: Muscular dystrophy-dystroglycanopathy, type A; Walker-Warburg syndrome. Identifiers: Orphanet 899, MedGen C0265221, MONDO:0000171.
Cardiovascular phenotype. Identifiers: MedGen CN230736.
Muscular dystrophy-dystroglycanopathy type B5 (MDDGB5). Also called: MUSCULAR DYSTROPHY-DYSTROGLYCANOPATHY (CONGENITAL WITH OR WITHOUT IMPAIRED INTELLECTUAL DEVELOPMENT), TYPE B, 5; MUSCULAR DYSTROPHY, CONGENITAL, 1C; MUSCULAR DYSTROPHY, CONGENITAL, FKRP-RELATED. Identifiers: MedGen C1847759, MONDO:0011688, OMIM 606612.
Autosomal recessive limb-girdle muscular dystrophy type 2I. Also called: MUSCULAR DYSTROPHY-DYSTROGLYCANOPATHY, LIMB-GIRDLE, FRKP-RELATED; MUSCULAR DYSTROPHY-DYSTROGLYCANOPATHY (LIMB-GIRDLE), TYPE C, 5; MUSCULAR DYSTROPHY, LIMB-GIRDLE, TYPE 2I. Identifiers: Orphanet 34515, MedGen C1846672, MONDO:0011787, OMIM 607155.
Muscular dystrophy-dystroglycanopathy (congenital with brain and eye anomalies), type A5. Also called: WALKER-WARBURG SYNDROME OR MUSCLE-EYE-BRAIN DISEASE, FKRP-RELATED; MUSCULAR DYSTROPHY-DYSTROGLYCANOPATHY (CONGENITAL WITH BRAIN AND EYE ANOMALIES), TYPE A, 5. Identifiers: Orphanet 588, Orphanet 899, MedGen C3150413, MONDO:0013157, OMIM 613153.

Allele frequency attached by ClinVar (database versions not stated): ExAC 0.02240; 1000 Genomes Project 30x 0.00593; 1000 Genomes Project 0.00619; ESP Exome Variant Server 0.00769; gnomAD exomes 0.01322 and 0.01050; gnomAD 0.00910 and 0.00919; TOPMed 0.00960.
gnomAD v4.1: 19,402 of 1,520,312 alleles (1.3%); highest among the groups gnomAD compares: Middle Eastern, 2.4%; 162 homozygotes.

Submissions (19):

CeGaT Center for Human Genetics Tuebingen
Classification: Benign. Last evaluated: 2026-09-01. Review status: criteria provided, single submitter. Criteria: CeGaT Center For Human Genetics Tuebingen Variant Classification Criteria Version 2. Collection method: clinical testing. Allele origin: germline. Affected: yes. Observed: 75 variant alleles.
Comment: FKRP: BS1, BS2

Labcorp Genetics (formerly Invitae), Labcorp
Classification: Benign for Walker-Warburg congenital muscular dystrophy. Last evaluated: 2026-02-04. Review status: criteria provided, single submitter. Criteria: Invitae Variant Classification Sherloc (09022015). Collection method: clinical testing. Allele origin: germline.

Molecular Diagnostic Laboratory for Inherited Cardiovascular Disease, Montreal Heart Institute
Classification: Likely benign. Last evaluated: 2025-04-09. Review status: criteria provided, single submitter. Criteria: ACMG Guidelines, 2015. Collection method: clinical testing. Allele origin: germline. Affected: no.

Blueprint Genetics
Classification: Likely benign. Last evaluated: 2024-11-28. Review status: criteria provided, single submitter. Criteria: ACMG Guidelines, 2015. Collection method: clinical testing. Allele origin: germline.

ARUP Laboratories, Molecular Genetics and Genomics, ARUP Laboratories
Classification: Benign. Last evaluated: 2023-11-29. Review status: criteria provided, single submitter. Criteria: ARUP Molecular Germline Variant Investigation Process 2024. Collection method: clinical testing. Allele origin: germline.

Mayo Clinic Laboratories, Mayo Clinic
Classification: Benign. Last evaluated: 2023-05-04. Review status: criteria provided, single submitter. Criteria: ACMG Guidelines, 2015. Collection method: clinical testing. Allele origin: germline. Observed: 69 variant alleles.
Comment: BS1, BS2

Women's Health and Genetics/Laboratory Corporation of America, LabCorp
Classification: Likely benign. Last evaluated: 2021-12-10. Review status: criteria provided, single submitter. Criteria: LabCorp Variant Classification Summary - May 2015. Collection method: clinical testing. Allele origin: germline.

Genome-Nilou Lab
Classification: Benign for Muscular dystrophy-dystroglycanopathy (congenital with brain and eye anomalies), type A5. Last evaluated: 2021-07-14. Review status: criteria provided, single submitter. Criteria: ACMG Guidelines, 2015. Collection method: clinical testing. Allele origin: germline. Affected: no.

Genome-Nilou Lab
Classification: Benign for Muscular dystrophy-dystroglycanopathy type B5. Last evaluated: 2021-07-14. Review status: criteria provided, single submitter. Criteria: ACMG Guidelines, 2015. Collection method: clinical testing. Allele origin: germline. Affected: no.

Genome-Nilou Lab
Classification: Benign for Autosomal recessive limb-girdle muscular dystrophy type 2I. Last evaluated: 2021-05-18. Review status: criteria provided, single submitter. Criteria: ACMG Guidelines, 2015. Collection method: clinical testing. Allele origin: germline. Affected: no.

Ambry Genetics
Classification: Benign for Cardiovascular phenotype. Last evaluated: 2019-01-03. Review status: criteria provided, single submitter. Criteria: Ambry Variant Classification Scheme 2023. Collection method: clinical testing. Allele origin: germline.

Athena Diagnostics
Classification: Benign. Last evaluated: 2017-09-06. Review status: criteria provided, single submitter. Criteria: Athena Diagnostics Criteria. Collection method: clinical testing. Allele origin: germline.

Phosphorus, Inc.
Classification: Benign for Autosomal recessive limb-girdle muscular dystrophy type 2I. Last evaluated: 2017-08-01. Review status: criteria provided, single submitter. Criteria: ACMG Guidelines, 2015. Collection method: clinical testing. Allele origin: germline. Observed: 2 variant alleles.

Eurofins Ntd Llc (ga)
Classification: Benign. Last evaluated: 2017-04-12. Review status: criteria provided, single submitter. Criteria: EGL Classification Definitions 2015. Collection method: clinical testing. Allele origin: germline. Observed: 2 variant alleles, 2 heterozygotes.

Center for Genetic Medicine Research, Children's National Medical Center
Classification: Uncertain significance. Last evaluated: 2015-12-01. Review status: criteria provided, single submitter. Criteria: Punetha et al. (J Neuromuscul Dis. 2016). Collection method: research. Allele origin: unknown.

Genetic Services Laboratory, University of Chicago
Classification: Benign. Last evaluated: 2015-06-02. Review status: criteria provided, single submitter. Criteria: ACMG Guidelines, 2015. Collection method: clinical testing. Allele origin: germline.

GeneDx
Classification: Benign. Last evaluated: 2015-03-05. Review status: criteria provided, single submitter. Criteria: GeneDx Variant Classification (06012015). Collection method: clinical testing. Allele origin: germline. Affected: yes.
Comment: This variant is considered likely benign or benign based on one or more of the following criteria: it is a conservative change, it occurs at a poorly conserved position in the protein, it is predicted to be benign by multiple in silico algorithms, and/or has population frequency not consistent with disease.

PreventionGenetics, part of Exact Sciences
Classification: Benign. Review status: criteria provided, single submitter. Criteria: ACMG Guidelines, 2015. Collection method: clinical testing. Allele origin: germline.

Natera, Inc.
Classification: Benign for Limb-girdle muscular dystrophy type 2I. Last evaluated: 2020-06-12. Review status: no assertion criteria provided. Collection method: clinical testing. Allele origin: germline. Not counted in ClinVar's aggregate classification.

Literature cited by the submitters: PubMed 11592034 (cited by Athena Diagnostics); PubMed 27884173 (cited by Athena Diagnostics); PubMed 17559086 (cited by Athena Diagnostics); PubMed 12707439 (cited by Athena Diagnostics); PubMed 18752264 (cited by Athena Diagnostics and Phosphorus, Inc.); PubMed 16476814 (cited by Athena Diagnostics and Phosphorus, Inc.); PubMed 27854218 (cited by Athena Diagnostics and Phosphorus, Inc.); PubMed 15060126 (cited by Athena Diagnostics and Phosphorus, Inc.); PubMed 16344347 (cited by Phosphorus, Inc.); PubMed 23757202 (cited by Phosphorus, Inc.).

NM_024301.5(FKRP):c.341C>G (p.Ala114Gly)

Gene: FKRP (fukutin related protein; plus strand). Cytogenetic location: 19q13.32.
Variant type: single nucleotide variant.
Coding change: c.341C>G on transcript NM_024301.5 (MANE Select); coding-DNA position 341, C replaced by G.
Protein change: p.Ala114Gly; replaces alanine 114 with glycine.
Molecular consequence: missense variant.
Genome position (GRCh38, 1-based): chr19:46,755,791, C>G. VCF-style: chr19-46755791-C-G. GRCh37 (hg19) VCF-style: chr19-47259048-C-G.
Other names: p.A114G:GCC>GGC; c.341C>G, p.Ala114Gly (NM_001039885.3); short protein forms A114G.
Identifiers: ClinVar variation 96108 (VCV000096108.65), dbSNP rs143793528, ClinGen allele CA149248.